The following is an entry in ClinVar:

NM_001348768.2(HECW2):c.236T>C (p.Phe79Ser)

Gene: HECW2 (HECT, C2 and WW domain containing E3 ubiquitin protein ligase 2; minus strand). Cytogenetic location: 2q32.3.
Variant type: single nucleotide variant.
Coding change: c.236T>C on transcript NM_001348768.2 (MANE Select); coding-DNA position 236, T replaced by C.
Protein change: p.Phe79Ser; replaces phenylalanine 79 with serine.
Molecular consequence: missense variant.
Genome position (GRCh38, 1-based): chr2:196,433,188, A>G on the plus strand (T>C on the coding strand, the complement: HECW2 is on the minus strand). VCF-style: chr2-196433188-A-G. GRCh37 (hg19) VCF-style: chr2-197297912-A-G.
Other names: c.236T>C, p.Phe79Ser (NM_020760.4); short protein forms F79S.
Identifiers: ClinVar variation 4840756 (VCV004840756.1).
Genomic context (GRCh38, chr2:196,433,188, plus strand): 5'-TCACCTATATGATAAAGTCCAATCCAATCACTGGGGTCCACCTCCTCTTTAATGTCCCAG[A>G]AGATAATGAGGTTCTGGGCTTGCCCCAGCGTGTACTCGTACATGCTGGCAGTTAAGCTGG-3'
Protein context (NP_001335697.1, residues 69-89): TLGQAQNLII[Phe79Ser]WDIKEEVDPS

ClinVar aggregate classification (germline): Uncertain significance (1 of 4 stars; one submission).

Conditions:
Inborn genetic diseases. Identifiers: MedGen C0950123, MeSH D030342.

gnomAD v4.1: 2 of 1,614,164 alleles (0.00012%); highest among the groups gnomAD compares: Non-Finnish European, 0.00017%; no homozygotes.

Submission:

Ambry Genetics
Classification: Uncertain significance for Inborn genetic diseases. Last evaluated: 2026-03-01. Review status: criteria provided, single submitter. Criteria: Ambry Variant Classification Scheme 2023. Collection method: clinical testing. Allele origin: germline.
Comment: The c.236T>C (p.F79S) alteration is located in exon 2 (coding exon 1) of the HECW2 gene. This alteration results from a T to C substitution at nucleotide position 236, causing the phenylalanine (F) at amino acid position 79 to be replaced by a serine (S). Based on data from gnomAD, the C allele has an overall frequency of <0.001% (1/251138) total alleles studied. The highest observed frequency was 0.001% (1/113480) of European (non-Finnish) alleles. Based on insufficient or conflicting evidence, the clinical significance of this alteration remains unclear.